The following is an entry in ClinVar:

ClinVar aggregate classification (germline): Uncertain significance (1 of 4 stars; one submission).

Conditions:
Arrhythmogenic right ventricular cardiomyopathy (ARVD). Also called: Arrhythmogenic right ventricular dysplasia; Cardiomyopathy, ARVC; Arrhythmogenic cardiomyopathy; Arrhythmogenic Right Ventricular Cardiomyopathy (ARVC). Identifiers: Orphanet 247, MedGen C0349788, MeSH D019571, MONDO:0016587. Disease mechanism: loss of function. Inheritance: Various modes of inheritance.

gnomAD v4.1: 3 of 1,613,718 alleles (0.00019%); highest among the groups gnomAD compares: Non-Finnish European, 0.00025%; no homozygotes.

Submission:

All of Us Research Program, National Institutes of Health
Classification: Uncertain significance for Arrhythmogenic right ventricular cardiomyopathy. Last evaluated: 2024-08-23. Review status: criteria provided, single submitter. Criteria: ACMG Guidelines, 2015. Collection method: clinical testing. Allele origin: germline. Inheritance: Autosomal dominant inheritance. Observed: 1 variant allele, 1 heterozygote.
Comment: This missense variant replaces proline with threonine at codon 189 of the DSG2 protein. Computational prediction suggests that this variant may not impact protein structure and function. To our knowledge, functional studies have not been reported for this variant. This variant has not been reported in individuals affected with DSG2-related disorders in the literature. This variant has been identified in 2/280754 chromosomes in the general population by the Genome Aggregation Database (gnomAD). The available evidence is insufficient to determine the role of this variant in disease conclusively. Therefore, this variant is classified as a Variant of Uncertain Significance.

This study involves interpretation of variants in research participants for the purpose of population health screening. Participant phenotype was not available at the time of variant classification. Additional details can be found in publication PMID: 35346344, PMCID: PMC8962531

NM_001943.5(DSG2):c.565C>A (p.Pro189Thr)

Gene: DSG2 (desmoglein 2; plus strand). Cytogenetic location: 18q12.1.
Variant type: single nucleotide variant.
Coding change: c.565C>A on transcript NM_001943.5 (MANE Select); coding-DNA position 565, C replaced by A.
Protein change: p.Pro189Thr; replaces proline 189 with threonine.
Molecular consequence: missense variant.
Genome position (GRCh38, 1-based): chr18:31,522,124, C>A. VCF-style: chr18-31522124-C-A. GRCh37 (hg19) VCF-style: chr18-29102087-C-A.
Other names: short protein forms P189T.
Identifiers: ClinVar variation 3386575 (VCV003386575.1).
Genomic context (GRCh38, chr18:31,522,124, plus strand): 5'-TCTTTATTTCTAATGCCAGATACTCTTGTGATGAAAATCAATGCAACAGATGCAGATGAG[C>A]CCAATACCCTGAATTCGAAAATTTCCTATAGAATCGTATCTCTGGAGCCTGCTTATCCTC-3'
Protein context (NP_001934.2, residues 179-199): MKINATDADE[Pro189Thr]NTLNSKISYR